The following is an entry in ClinVar:

NM_001130823.3(DNMT1):c.2980_2982del (p.Asp994del)

Gene: DNMT1 (DNA methyltransferase 1; minus strand). Cytogenetic location: 19p13.2.
Variant type: Deletion.
Coding change: c.2980_2982del on transcript NM_001130823.3 (MANE Select); coding-DNA positions 2980 to 2982, 3 bases deleted (GAC; older notation c.2980_2982delGAC).
Protein change: p.Asp994del; deletes aspartic acid 994.
Molecular consequence: inframe deletion.
Genome position (GRCh38, 1-based): chr19:10,143,900-10,143,902, GTC deleted on the plus strand (GAC on the coding strand, the reverse complement: DNMT1 is on the minus strand); deleting any 3 consecutive bases within chr19:10,143,900-10,143,903 gives the same sequence; the c. name uses the placement nearest the transcript's 3' end. VCF-style (leftmost placement, unchanged base first): chr19-10143899-AGTC-A. GRCh37 (hg19) VCF-style: chr19-10254575-AGTC-A.
Other names: c.2932_2934del, p.Asp978del (NM_001318730.2, NM_001379.4); c.2617_2619del, p.Asp873del (NM_001318731.2); short protein forms D873del, D978del, D994del.
Identifiers: ClinVar variation 2745984 (VCV002745984.3), dbSNP rs2513791231, ClinGen allele CA2697556228.

ClinVar aggregate classification (germline): Uncertain significance (1 of 4 stars; one submission).

Conditions:
Hereditary sensory neuropathy-deafness-dementia syndrome. Also called: NEUROPATHY, HEREDITARY SENSORY, WITH HEARING LOSS AND DEMENTIA; Hereditary Sensory and Autonomic Neuropathy Type 1E (HSAN1E); HSN IE; Hereditary sensory neuropathy type IE. Identifiers: Orphanet 456318, MedGen C3279885, MONDO:0013584, OMIM 614116.

Submission:

Labcorp Genetics (formerly Invitae), Labcorp
Classification: Uncertain significance for Hereditary sensory neuropathy-deafness-dementia syndrome. Last evaluated: 2023-07-23. Review status: criteria provided, single submitter. Criteria: Invitae Variant Classification Sherloc (09022015). Collection method: clinical testing. Allele origin: germline.
Comment: This variant, c.2980_2982del, results in the deletion of 1 amino acid(s) of the DNMT1 protein (p.Asp994del), but otherwise preserves the integrity of the reading frame. This variant is not present in population databases (gnomAD no frequency). This variant has not been reported in the literature in individuals affected with DNMT1-related conditions. Experimental studies and prediction algorithms are not available or were not evaluated, and the functional significance of this variant is currently unknown. In summary, the available evidence is currently insufficient to determine the role of this variant in disease. Therefore, it has been classified as a Variant of Uncertain Significance.